The following is an entry in ClinVar:

ClinVar aggregate classification (germline): Uncertain significance (1 of 4 stars; one submission).

Conditions:
Hereditary cancer-predisposing syndrome. Also called: Neoplastic Syndromes, Hereditary; Tumor predisposition; Hereditary Cancer Syndrome; Hereditary neoplastic syndrome. Identifiers: Orphanet 140162, MedGen C0027672, MeSH D009386, MONDO:0015356.

gnomAD v4.1: 6 of 1,613,682 alleles (0.00037%); highest among the groups gnomAD compares: East Asian, 0.0022%; no homozygotes.

Submission:

Ambry Genetics
Classification: Uncertain significance for Hereditary cancer-predisposing syndrome. Last evaluated: 2024-04-29. Review status: criteria provided, single submitter. Criteria: Ambry Variant Classification Scheme 2023. Collection method: clinical testing. Allele origin: germline.
Comment: The p.I277V variant (also known as c.829A>G), located in coding exon 7 of the EPCAM gene, results from an A to G substitution at nucleotide position 829. The isoleucine at codon 277 is replaced by valine, an amino acid with highly similar properties. This amino acid position is conserved. In addition, this alteration is predicted to be tolerated by in silico analysis. Since supporting evidence is limited at this time, the clinical significance of this alteration remains unclear.

NM_002354.3(EPCAM):c.829A>G (p.Ile277Val)

Gene: EPCAM (epithelial cell adhesion molecule; plus strand). Cytogenetic location: 2p21.
Variant type: single nucleotide variant.
Coding change: c.829A>G on transcript NM_002354.3 (MANE Select); coding-DNA position 829, A replaced by G.
Protein change: p.Ile277Val; replaces isoleucine 277 with valine.
Molecular consequence: missense variant.
Genome position (GRCh38, 1-based): chr2:47,379,940, A>G. VCF-style: chr2-47379940-A-G. GRCh37 (hg19) VCF-style: chr2-47607079-A-G.
Other names: short protein forms I277V.
Identifiers: ClinVar variation 1762790 (VCV001762790.3), dbSNP rs1322763300, ClinGen allele CA346724906.